The following is an entry in ClinVar:

NM_001354604.2(MITF):c.1531AGC[1] (p.Ser512del)

Gene: MITF (melanocyte inducing transcription factor; plus strand). Cytogenetic location: 3p13.
Variant type: Microsatellite.
Coding change: c.1531AGC[1] on transcript NM_001354604.2 (MANE Select); one copy of the 3-base unit AGC starting at c.1531; the reference has two copies in a row; one copy, 3 bases deleted.
Protein change: p.Ser512del; deletes serine 512.
Molecular consequence: inframe deletion.
Genome position (GRCh38, 1-based): chr3:69,965,201-69,965,203, AGC deleted; deleting any 3 consecutive bases within chr3:69,965,198-69,965,203 gives the same sequence; the position shown is the placement nearest the transcript's 3' end. VCF-style (leftmost placement, unchanged base first): chr3-69965197-AAGC-A. GRCh37 (hg19) VCF-style: chr3-70014348-AAGC-A.
Other names: c.1210AGC[1], p.Ser405del (NM_000248.4); c.1357AGC[1], p.Ser454del (NM_001184967.2, NM_001354608.2); c.1528AGC[1], p.Ser511del (NM_001354605.2); c.1510AGC[1], p.Ser505del (NM_001354606.2, NM_006722.3); c.1462AGC[1], p.Ser489del (NM_001354607.2); c.1192AGC[1], p.Ser399del (NM_198158.3); c.1513AGC[1], p.Ser506del (NM_198159.3); c.1465AGC[1], p.Ser490del (NM_198177.3); and 1 more; short protein forms S343del, S399del, S405del, S454del, S490del, S505del, S489del, S506del.
Identifiers: ClinVar variation 809507 (VCV000809507.43), dbSNP rs1576071470, ClinGen allele CA915942981.

ClinVar aggregate classification (germline): Uncertain significance. Review status: criteria provided, multiple submitters, no conflicts (2 of 4 stars). 2 submissions from 2 submitters: Uncertain significance (2). Last evaluated 2025-04-30.

Conditions:
Melanoma, cutaneous malignant, susceptibility to, 8. Also called: MELANOMA AND RENAL CELL CARCINOMA, SUSCEPTIBILITY TO; Cutaneous malignant melanoma 8. Identifiers: Orphanet 293822, MedGen C3152204, MONDO:0013759, OMIM 614456.
Tietz syndrome (TADS). Also called: ALBINISM-DEAFNESS OF TIETZ; HYPOPIGMENTATION/DEAFNESS OF TIETZ; TIETZ ALBINISM-DEAFNESS SYNDROME. Identifiers: Orphanet 42665, MedGen C0391816, MONDO:0007077, OMIM 103500.
Waardenburg syndrome type 2A (WS2A). Also called: WAARDENBURG SYNDROME WITHOUT DYSTOPIA CANTHORUM. Identifiers: Orphanet 3440, MedGen C1860339, MONDO:0008671, OMIM 193510.

Submissions (2):

Labcorp Genetics (formerly Invitae), Labcorp
Classification: Uncertain significance for Melanoma, cutaneous malignant, susceptibility to, 8; Waardenburg syndrome type 2A; Tietz syndrome. Last evaluated: 2025-04-30. Review status: criteria provided, single submitter. Criteria: Invitae Variant Classification Sherloc (09022015). Collection method: clinical testing. Allele origin: germline.
Comment: This variant, c.1213_1215del, results in the deletion of 1 amino acid(s) of the MITF protein (p.Ser405del), but otherwise preserves the integrity of the reading frame. This variant is not present in population databases (gnomAD no frequency). This variant has not been reported in the literature in individuals affected with MITF-related conditions. Experimental studies and prediction algorithms are not available or were not evaluated, and the functional significance of this variant is currently unknown. In summary, the available evidence is currently insufficient to determine the role of this variant in disease. Therefore, it has been classified as a Variant of Uncertain Significance.

CeGaT Center for Human Genetics Tuebingen
Classification: Uncertain significance. Last evaluated: 2017-08-01. Review status: criteria provided, single submitter. Criteria: CeGaT Center For Human Genetics Tuebingen Variant Classification Criteria Version 2. Collection method: clinical testing. Allele origin: germline. Affected: yes. Observed: 1 variant allele.